The following is an entry in ClinVar:

ClinVar aggregate classification (germline): Uncertain significance (1 of 4 stars; one submission).

Conditions:
Long QT syndrome (LQTS). Identifiers: MedGen C0023976, MeSH D008133, MONDO:0002442. Disease mechanism: loss of function. Inheritance: Various modes of inheritance.

Submission:

Labcorp Genetics (formerly Invitae), Labcorp
Classification: Uncertain significance for Long QT syndrome. Last evaluated: 2019-08-07. Review status: criteria provided, single submitter. Criteria: Invitae Variant Classification Sherloc (09022015). Collection method: clinical testing. Allele origin: germline.
Comment: This variant results in a copy number gain of the genomic region encompassing exons 4-47 of the CACNA1C gene. The 5' boundary is likely confined to intron 3. The 3' end of this event is unknown as it extends beyond the assayed region for this gene and therefore may encompass additional genes. As the precise location of this event is unknown, it may be in tandem or it may be located elsewhere in the genome. This variant has not been reported in the literature in individuals with CACNA1C-related conditions. Experimental studies and prediction algorithms are not available or were not evaluated for this variant, and the functional significance of the affected amino acid(s) is currently unknown. In summary, the available evidence is currently insufficient to determine the role of this variant in disease. Therefore, it has been classified as a Variant of Uncertain Significance.

NC_000012.12:g.(?_2448975)_(2691199_?)dup

Gene: CACNA1C (calcium voltage-gated channel subunit alpha1 C; plus strand). Cytogenetic location: 12p13.33.
Variant type: Duplication.
Identifiers: ClinVar variation 833219 (VCV000833219.3).